The following is an entry in ClinVar:

NM_000937.5(POLR2A):c.3445C>G (p.Arg1149Gly)

Gene: POLR2A (RNA polymerase II subunit A; plus strand). Cytogenetic location: 17p13.1.
Variant type: single nucleotide variant.
Coding change: c.3445C>G on transcript NM_000937.5 (MANE Select); coding-DNA position 3445, C replaced by G.
Protein change: p.Arg1149Gly; replaces arginine 1149 with glycine.
Molecular consequence: missense variant.
Genome position (GRCh38, 1-based): chr17:7,508,455, C>G. VCF-style: chr17-7508455-C-G. GRCh37 (hg19) VCF-style: chr17-7411774-C-G.
Other names: short protein forms R1149G.
Identifiers: ClinVar variation 3216505 (VCV003216505.1), dbSNP rs566177207, ClinGen allele CA397808927.

ClinVar aggregate classification (germline): Uncertain significance (1 of 4 stars; one submission).

Conditions:
Inborn genetic diseases. Identifiers: MedGen C0950123, MeSH D030342.

Submission:

Ambry Genetics
Classification: Uncertain significance for Inborn genetic diseases. Last evaluated: 2024-01-22. Review status: criteria provided, single submitter. Criteria: Ambry Variant Classification Scheme 2023. Collection method: clinical testing. Allele origin: germline.
Comment: The c.3445C>G (p.R1149G) alteration is located in exon 20 (coding exon 20) of the POLR2A gene. This alteration results from a C to G substitution at nucleotide position 3445, causing the arginine (R) at amino acid position 1149 to be replaced by a glycine (G). This variant was not reported in population-based cohorts in the Genome Aggregation Database (gnomAD). This amino acid position is highly conserved in available vertebrate species. The in silico prediction for this alteration is inconclusive. Based on insufficient or conflicting evidence, the clinical significance of this alteration remains unclear.